The following is an entry in ClinVar:

NM_001127222.2(CACNA1A):c.760A>G (p.Thr254Ala)

Gene: CACNA1A (calcium voltage-gated channel subunit alpha1 A; minus strand). Cytogenetic location: 19p13.13.
Variant type: single nucleotide variant.
Coding change: c.760A>G on transcript NM_001127222.2 (MANE Select); coding-DNA position 760, A replaced by G.
Protein change: p.Thr254Ala; replaces threonine 254 with alanine.
Molecular consequence: missense variant.
Genome position (GRCh38, 1-based): chr19:13,365,341, T>C on the plus strand (A>G on the coding strand, the complement: CACNA1A is on the minus strand). VCF-style: chr19-13365341-T-C. GRCh37 (hg19) VCF-style: chr19-13476155-T-C.
Other names: c.760A>G, p.Thr254Ala (NM_001174080.2, NM_023035.3, NM_000068.4 and 1 more transcripts); short protein forms T254A.
Identifiers: ClinVar variation 1021508 (VCV001021508.9), dbSNP rs2059189603, ClinGen allele CA404348305.

ClinVar aggregate classification (germline): Uncertain significance (1 of 4 stars; one submission).

Conditions:
Developmental and epileptic encephalopathy, 42 (DEE42A). Also called: DEVELOPMENTAL AND EPILEPTIC ENCEPHALOPATHY 42A; EPILEPTIC ENCEPHALOPATHY, EARLY INFANTILE, 42A; Epileptic encephalopathy, early infantile, 42. Identifiers: MedGen C4310716, MONDO:0014917, OMIM 617106.
Episodic ataxia type 2 (EA2). Also called: ACETAZOLAMIDE-RESPONSIVE HEREDITARY PAROXYSMAL CEREBELLAR ATAXIA; EPISODIC ATAXIA, NYSTAGMUS-ASSOCIATED; ATAXIA, EPISODIC, WITH NYSTAGMUS; ATAXIA, FAMILIAL PAROXYSMAL; CEREBELLAR ATAXIA, PAROXYSMAL, ACETAZOLAMIDE-RESPONSIVE; CEREBELLOPATHY, HEREDITARY PAROXYSMAL. Identifiers: Orphanet 97, MedGen C1720416, MONDO:0007163, OMIM 108500.

Allele frequency attached by ClinVar (database versions not stated): gnomAD exomes below 0.00001.
gnomAD v4.1: 2 of 1,613,356 alleles (0.00012%); highest among the groups gnomAD compares: Non-Finnish European, 0.00017%; no homozygotes.

Submission:

Labcorp Genetics (formerly Invitae), Labcorp
Classification: Uncertain significance for Developmental and epileptic encephalopathy, 42; Episodic ataxia type 2. Last evaluated: 2020-08-05. Review status: criteria provided, single submitter. Criteria: Invitae Variant Classification Sherloc (09022015). Collection method: clinical testing. Allele origin: germline.
Comment: In summary, the available evidence is currently insufficient to determine the role of this variant in disease. Therefore, it has been classified as a Variant of Uncertain Significance. Advanced modeling of protein sequence and biophysical properties (such as structural, functional, and spatial information, amino acid conservation, physicochemical variation, residue mobility, and thermodynamic stability) performed at Invitae indicates that this missense variant is not expected to disrupt CACNA1A protein function. This variant has not been reported in the literature in individuals with CACNA1A-related conditions. This variant is not present in population databases (ExAC no frequency). This sequence change replaces threonine with alanine at codon 254 of the CACNA1A protein (p.Thr254Ala). The threonine residue is moderately conserved and there is a small physicochemical difference between threonine and alanine.